The following is an entry in ClinVar:

ClinVar aggregate classification (germline): Uncertain significance (1 of 4 stars; one submission).

Submission:

Greenwood Genetic Center Diagnostic Laboratories, Greenwood Genetic Center
Classification: Uncertain significance. Last evaluated: 2021-06-09. Review status: criteria provided, single submitter. Criteria: ACMG Guidelines, 2015. Collection method: clinical testing. Allele origin: germline. Affected: yes.
Comment: PP3, PM2

NM_006019.4(TCIRG1):c.-5+5G>A

Gene: TCIRG1 (T cell immune regulator 1, ATPase H+ transporting V0 subunit a3; plus strand). Cytogenetic location: 11q13.2.
Variant type: single nucleotide variant.
Coding change: c.-5+5G>A on transcript NM_006019.4 (MANE Select); 5 bases into the intron after 5 bases upstream of the start codon, G replaced by A.
Molecular consequence: intron variant.
Genome position (GRCh38, 1-based): chr11:68,039,124, G>A. VCF-style: chr11-68039124-G-A. GRCh37 (hg19) VCF-style: chr11-67806591-G-A.
Other names: c.-1254+5G>A (NM_001351059.2).
Identifiers: ClinVar variation 1334770 (VCV001334770.4), dbSNP rs2134425141, ClinGen allele CA2573053553.